The following is an entry in ClinVar:

NM_001267550.2(TTN):c.80923C>A (p.Pro26975Thr)

Genes: TTN (titin; minus strand), TTN-AS1 (TTN antisense RNA 1; plus strand). Cytogenetic location: 2q31.2.
Variant type: single nucleotide variant.
Coding change: c.80923C>A on transcript NM_001267550.2 (MANE Select); coding-DNA position 80923, C replaced by A.
Protein change: p.Pro26975Thr; replaces proline 26975 with threonine.
Molecular consequence: missense variant.
Genome position (GRCh38, 1-based): chr2:178,565,209, G>T on the plus strand (C>A on the coding strand, the complement: TTN is on the minus strand). VCF-style: chr2-178565209-G-T. GRCh37 (hg19) VCF-style: chr2-179429936-G-T.
Other names: c.76000C>A, p.Pro25334Thr (NM_001256850.1); c.53728C>A, p.Pro17910Thr (NM_003319.4); c.73219C>A, p.Pro24407Thr (NM_133378.4); c.54103C>A, p.Pro18035Thr (NM_133432.3); c.54304C>A, p.Pro18102Thr (NM_133437.4); short protein forms P18102T, P25334T, P17910T, P18035T, P26975T, P24407T.
Identifiers: ClinVar variation 1031602 (VCV001031602.1), dbSNP rs1283579585, ClinGen allele CA349585136.
Genomic context (GRCh38, chr2:178,565,209, plus strand): 5'-CCCAAGATATGACTACAAAGTCTGCACTAACTTCATCAAACCGAACTGGGCCAACTGGAG[G>T]TCCAGGCTTTTCTAAAACGATAACACTGAGATTTTCTGTTGCTGTGCCTGCACTATTTGT-3'
Protein context (NP_001254479.2, residues 26965-26985): LSVIVLEKPG[Pro26975Thr]PVGPVRFDEV

ClinVar aggregate classification (germline): Uncertain significance (1 of 4 stars; one submission).

Conditions:
Dilated cardiomyopathy 1G (CMD1G). Identifiers: Orphanet 154, MedGen C1858763, MONDO:0011400, OMIM 604145.

Allele frequency attached by ClinVar (database versions not stated): gnomAD exomes below 0.00001; TOPMed below 0.00001; gnomAD 0.00001.
gnomAD v4.1: 3 of 1,613,450 alleles (0.00019%); highest among the groups gnomAD compares: Admixed American, 0.0017%; no homozygotes.

Submission:

Baylor Genetics
Classification: Uncertain significance for Dilated cardiomyopathy 1G. Last evaluated: 2018-01-13. Review status: criteria provided, single submitter. Criteria: ACMG Guidelines, 2015. Collection method: clinical testing. Allele origin: paternal. Affected: yes.
Comment: This variant was determined to be of uncertain significance according to ACMG Guidelines, 2015 [PMID:25741868].